The following is an entry in ClinVar:

ClinVar aggregate classification (germline): Likely pathogenic. Review status: criteria provided, single submitter (1 of 4 stars). 2 submissions from 2 submitters: Likely pathogenic (1). 1 of the submissions does not count toward it. Last evaluated 2022-10-18.

Conditions:
Glycogen storage disease, type IV (GSD4). Also called: AMYLOPECTINOSIS; ANDERSEN DISEASE; BRANCHER DEFICIENCY; Glycogen storage disease due to glycogen branching enzyme deficiency; CIRRHOSIS, FAMILIAL, WITH DEPOSITION OF ABNORMAL GLYCOGEN; GBE1 DEFICIENCY. Identifiers: Orphanet 367, MedGen C0017923, MONDO:0009292, OMIM 232500.
Glycogen storage disease IV, classic hepatic. Also called: GSD IV, CLASSIC HEPATIC. Identifiers: MedGen C1856301.
Glycogen storage disease due to glycogen branching enzyme deficiency, congenital neuromuscular form. Also called: GSD IV, NEUROMUSCULAR FORM, CONGENITAL; GLYCOGEN STORAGE DISEASE IV, CONGENITAL NEUROMUSCULAR. Identifiers: Orphanet 308670, MedGen C1856304, MONDO:0017698.

Submissions (2):

Labcorp Genetics (formerly Invitae), Labcorp
Classification: Likely pathogenic for Glycogen storage disease, type IV; Glycogen storage disease IV, classic hepatic. Last evaluated: 2022-10-18. Review status: criteria provided, single submitter. Criteria: Invitae Variant Classification Sherloc (09022015). Collection method: clinical testing. Allele origin: germline.
Comment: In summary, the currently available evidence indicates that the variant is pathogenic, but additional data are needed to prove that conclusively. Therefore, this variant has been classified as Likely Pathogenic. Studies have shown that disruption of this splice site results in skipping of exon 7, but is expected to preserve the integrity of the reading-frame (PMID: 8613547). This variant is also known as a 210-bp deletion from nucleotide 873 to 1082 due to a g-to-a substitution at the 3' end of the intron. Experimental studies have shown that disruption of this splice site affects GBE1 function (PMID: 8613547). Algorithms developed to predict the effect of variants on protein structure and function are not available or were not evaluated for this variant. ClinVar contains an entry for this variant (Variation ID: 2776). Disruption of this splice site has been observed in individual(s) with glycogen storage disease (PMID: 8613547). This variant is not present in population databases (gnomAD no frequency). This sequence change affects an acceptor splice site in intron 6 of the GBE1 gene. RNA analysis indicates that disruption of this splice site induces altered splicing and likely results in a shortened protein product.

OMIM
Classification: Pathogenic for GLYCOGEN STORAGE DISEASE IV, CONGENITAL NEUROMUSCULAR. Last evaluated: 1996-02-15. Review status: no assertion criteria provided. Collection method: literature only. Allele origin: germline. Not counted in ClinVar's aggregate classification.

Literature cited by the submitters: PubMed 8613547 (cited by Labcorp Genetics (formerly Invitae), Labcorp and OMIM); PubMed 8059607 (cited by OMIM).

NM_000158.4(GBE1):c.783-1G>A

Gene: GBE1 (1,4-alpha-glucan branching enzyme 1; minus strand). Cytogenetic location: 3p12.2.
Variant type: single nucleotide variant.
Coding change: c.783-1G>A on transcript NM_000158.4 (MANE Select); the canonical splice acceptor site of the intron before coding-DNA position 783, G replaced by A.
Molecular consequence: splice acceptor variant.
Genome position (GRCh38, 1-based): chr3:81,642,991, C>T on the plus strand (G>A on the coding strand, the complement: GBE1 is on the minus strand). VCF-style: chr3-81642991-C-T. GRCh37 (hg19) VCF-style: chr3-81692142-C-T.
Other names: IVSAS, G-A, -1.
Identifiers: ClinVar variation 2776 (VCV000002776.6), dbSNP rs397515342, ClinGen allele CA115742.